The following is an entry in ClinVar:

NM_025114.4(CEP290):c.6119_6123delinsTATGTA (p.Thr2040fs)

Gene: CEP290 (centrosomal protein 290; minus strand). Cytogenetic location: 12q21.32.
Variant type: Indel.
Coding change: c.6119_6123delinsTATGTA on transcript NM_025114.4 (MANE Select); coding-DNA positions 6119 to 6123, CATAT replaced by TATGTA.
Protein change: p.Thr2040fs; shifts the reading frame from threonine 2040.
Molecular consequence: frameshift variant.
Genome position (GRCh38, 1-based): chr12:88,068,534-88,068,538, ATATG replaced by TACATA on the plus strand (CATAT replaced by TATGTA on the coding strand, the reverse complement: CEP290 is on the minus strand). VCF-style: chr12-88068534-ATATG-TACATA. GRCh37 (hg19) VCF-style: chr12-88462311-ATATG-TACATA.
Other names: short protein forms T2040fs.
Identifiers: ClinVar variation 4816230 (VCV004816230.1).

ClinVar aggregate classification (germline): Likely pathogenic (1 of 4 stars; one submission).

Conditions:
Leber congenital amaurosis (LCA). Also called: Leber's amaurosis. Identifiers: Orphanet 65, MedGen C0339527, MeSH D057130, MONDO:0018998.

Submission:

Natera, Inc.
Classification: Likely pathogenic for Leber congenital amaurosis. Last evaluated: 2024-07-29. Review status: criteria provided, single submitter. Criteria: Natera Variant Classification Schema (03/2026). Collection method: clinical testing. Allele origin: germline.
Comment: The c.6119_6123delinsTATGTA variant in CEP290 is a frameshift variant predicted to shift the reading frame beginning at codon 2040 and leads to a stop codon 4 codons downstream. This variant is expected to result in nonsense mediated decay, truncation, or a dysfunctional protein product. This variant is rare in the general population with a frequency below the threshold expected for the associated phenotype(s). Given the available evidence, this variant is classified as Likely Pathogenic.